The following is an entry in ClinVar:

NM_000169.3(GLA):c.227T>C (p.Met76Thr)

Genes: GLA (galactosidase alpha; minus strand), RPL36A-HNRNPH2 (RPL36A-HNRNPH2 readthrough; plus strand). Cytogenetic location: Xq22.1.
Variant type: single nucleotide variant.
Coding change: c.227T>C on transcript NM_000169.3 (MANE Select); coding-DNA position 227, T replaced by C.
Protein change: p.Met76Thr; replaces methionine 76 with threonine.
Molecular consequence: missense variant. On other transcripts: non-coding transcript variant (3), intron variant (2).
Genome position (GRCh38, 1-based): chrX:101,403,953, A>G on the plus strand (T>C on the coding strand, the complement: GLA is on the minus strand). VCF-style: chrX-101403953-A-G. GRCh37 (hg19) VCF-style: chrX-100658941-A-G.
Other names: c.350T>C, p.Met117Thr (NM_001406747.1, NM_001406749.1); c.227T>C, p.Met76Thr (NM_001406748.1); c.301-7983A>G (NM_001199973.2); c.178-7983A>G (NM_001199974.2); short protein forms M76T, M117T.
Identifiers: ClinVar variation 2138670 (VCV002138670.8), dbSNP rs2520914744, ClinGen allele CA16602197.
Genomic context (GRCh38, chrX:101,403,953, plus strand): 5'-ATCCAACAGTCATCAATGCAGAGGTACTCATAACCTGCATCCTTCCAGCCTTCTGAGACC[A>G]TGAGCTCTGCCATCTCCATGAAGAGCTTCTCACTGAAAGAGAAATTCCAATAATCATTAC-3'
Protein context (NP_000160.1, residues 66-86): EKLFMEMAEL[Met76Thr]VSEGWKDAGY

ClinVar aggregate classification (germline): Conflicting classifications of pathogenicity. Review status: criteria provided, conflicting classifications (1 of 4 stars). 3 submissions from 3 submitters: Pathogenic (1); Likely pathogenic (1); Uncertain significance (1). Last evaluated 2026-09-08.

Conditions:
Fabry disease. Also called: Fabry's disease; GLA DEFICIENCY; HEREDITARY DYSTOPIC LIPIDOSIS; ANDERSON-FABRY DISEASE; CERAMIDE TRIHEXOSIDASE DEFICIENCY; Ceramide trihexosidosis. Identifiers: Orphanet 324, MedGen C0002986, MONDO:0010526, OMIM 301500, HP:0001071. Disease mechanism: loss of function, Fabry disease is due to inactivating mutations in the X-linked GLA gene resulting in deficiency of the enzyme Alpha Galactosidase-A..

Submissions (3):

Genomenon, Inc
Classification: Pathogenic for Fabry disease. Last evaluated: 2026-09-08. Review status: criteria provided, single submitter. Criteria: Genomenon Sequence Variant Interpretation Standards - Updated. Collection method: curation. Allele origin: germline. Affected: yes.
Comment: GLA p.Met76Thr (c.227T>C) is a missense variant that changes the amino acid at codon 76 from Methionine to Threonine. This variant has been observed in at least one proband with clinical features consistent with Fabry disease (PMID:32843101;36140787;18205205;31770509). The variant was found to segregate with disease in at least one affected family (PMID:36140787). At least one functional study has demonstrated a substantial alteration in protein function relative to the wild-type (PMID:18205205;27657681). It is absent or not present at a significant frequency in gnomAD. In silico models predict that this variant is possibly or probably damaging. In conclusion, we classify GLA p.Met76Thr (c.227T>C) as a pathogenic variant.

Revvity Omics, Revvity
Classification: Likely pathogenic. Last evaluated: 2023-05-31. Review status: criteria provided, single submitter. Criteria: ACMG Guidelines, 2015. Collection method: clinical testing. Allele origin: germline.

Labcorp Genetics (formerly Invitae), Labcorp
Classification: Uncertain significance for Fabry disease. Last evaluated: 2022-09-27. Review status: criteria provided, single submitter. Criteria: Invitae Variant Classification Sherloc (09022015). Collection method: clinical testing. Allele origin: germline.
Comment: In summary, the available evidence is currently insufficient to determine the role of this variant in disease. Therefore, it has been classified as a Variant of Uncertain Significance. Experimental studies have shown that this missense change affects GLA function (PMID: 18205205). Advanced modeling of protein sequence and biophysical properties (such as structural, functional, and spatial information, amino acid conservation, physicochemical variation, residue mobility, and thermodynamic stability) performed at Invitae indicates that this missense variant is expected to disrupt GLA protein function. This missense change has been observed in individual(s) with clinical features of Fabry disease (PMID: 18205205, 30988410, 33673806). This variant is not present in population databases (gnomAD no frequency). This sequence change replaces methionine, which is neutral and non-polar, with threonine, which is neutral and polar, at codon 76 of the GLA protein (p.Met76Thr).

Literature cited by the submitters: PubMed 32843101 (cited by Genomenon, Inc); PubMed 36140787 (cited by Genomenon, Inc); PubMed 18205205 (cited by Genomenon, Inc and Labcorp Genetics (formerly Invitae), Labcorp); PubMed 31770509 (cited by Genomenon, Inc); PubMed 27657681 (cited by Genomenon, Inc); PubMed 30988410 (cited by Labcorp Genetics (formerly Invitae), Labcorp); PubMed 33673806 (cited by Labcorp Genetics (formerly Invitae), Labcorp).